The following is an entry in ClinVar:

ClinVar aggregate classification (germline): Uncertain significance (1 of 4 stars; one submission).

Conditions:
Nemaline myopathy 9 (NEM9). Identifiers: MedGen C3810384, MONDO:0014326, OMIM 615731.

gnomAD v4.1: 6 of 1,612,584 alleles (0.00037%); highest among the groups gnomAD compares: Middle Eastern, 0.017%; no homozygotes.

Submission:

Labcorp Genetics (formerly Invitae), Labcorp
Classification: Uncertain significance for Nemaline myopathy 9. Last evaluated: 2022-05-25. Review status: criteria provided, single submitter. Criteria: Invitae Variant Classification Sherloc (09022015). Collection method: clinical testing. Allele origin: germline.
Comment: This sequence change replaces valine, which is neutral and non-polar, with methionine, which is neutral and non-polar, at codon 465 of the KLHL41 protein (p.Val465Met). This variant is present in population databases (no rsID available, gnomAD 0.009%). This variant has not been reported in the literature in individuals affected with KLHL41-related conditions. Algorithms developed to predict the effect of missense changes on protein structure and function output the following: SIFT: "Tolerated"; PolyPhen-2: "Benign"; Align-GVGD: "Class C0". The methionine amino acid residue is found in multiple mammalian species, which suggests that this missense change does not adversely affect protein function. In summary, the available evidence is currently insufficient to determine the role of this variant in disease. Therefore, it has been classified as a Variant of Uncertain Significance.

NM_006063.3(KLHL41):c.1393G>A (p.Val465Met)

Gene: KLHL41 (kelch like family member 41; plus strand). Cytogenetic location: 2q31.1.
Variant type: single nucleotide variant.
Coding change: c.1393G>A on transcript NM_006063.3 (MANE Select); coding-DNA position 1393, G replaced by A.
Protein change: p.Val465Met; replaces valine 465 with methionine.
Molecular consequence: missense variant.
Genome position (GRCh38, 1-based): chr2:169,518,206, G>A. VCF-style: chr2-169518206-G-A. GRCh37 (hg19) VCF-style: chr2-170374716-G-A.
Other names: short protein forms V465M.
Identifiers: ClinVar variation 2051694 (VCV002051694.4), dbSNP rs1217535416, ClinGen allele CA349178950.